The following is an entry in ClinVar:

NM_182961.4(SYNE1):c.4765T>C (p.Tyr1589His)

Gene: SYNE1 (spectrin repeat containing nuclear envelope protein 1; minus strand). Cytogenetic location: 6q25.2.
Variant type: single nucleotide variant.
Coding change: c.4765T>C on transcript NM_182961.4 (MANE Select); coding-DNA position 4765, T replaced by C.
Protein change: p.Tyr1589His; replaces tyrosine 1589 with histidine.
Molecular consequence: missense variant.
Genome position (GRCh38, 1-based): chr6:152,430,135, A>G on the plus strand (T>C on the coding strand, the complement: SYNE1 is on the minus strand). VCF-style: chr6-152430135-A-G. GRCh37 (hg19) VCF-style: chr6-152751270-A-G.
Other names: c.4786T>C, p.Tyr1596His (NM_033071.5); short protein forms Y1589H, Y1596H.
Identifiers: ClinVar variation 2090373 (VCV002090373.1), dbSNP rs1470536268, ClinGen allele CA366141351.

ClinVar aggregate classification (germline): Uncertain significance (1 of 4 stars; one submission).

Conditions:
Emery-Dreifuss muscular dystrophy 4, autosomal dominant (EDMD4). Also called: EMERY-DREIFUSS MUSCULAR DYSTROPHY 4 WITH VARIABLE FEATURES. Identifiers: Orphanet 261, MedGen C2751807, MONDO:0013071, OMIM 612998.
Autosomal recessive ataxia, Beauce type. Also called: SYNE1 Deficiency; Spinocerebellar ataxia, autosomal recessive 8; ATAXIA, RECESSIVE, OF BEAUCE; SYNE1-Related Autosomal Recessive Cerebellar Ataxia. Identifiers: Orphanet 88644, MedGen C1853116, MONDO:0012549, OMIM 610743.

Submission:

Labcorp Genetics (formerly Invitae), Labcorp
Classification: Uncertain significance for Emery-Dreifuss muscular dystrophy 4, autosomal dominant; Autosomal recessive ataxia, Beauce type. Last evaluated: 2022-08-21. Review status: criteria provided, single submitter. Criteria: Invitae Variant Classification Sherloc (09022015). Collection method: clinical testing. Allele origin: germline.
Comment: This sequence change replaces tyrosine, which is neutral and polar, with histidine, which is basic and polar, at codon 1596 of the SYNE1 protein (p.Tyr1596His). This variant is not present in population databases (gnomAD no frequency). This variant has not been reported in the literature in individuals affected with SYNE1-related conditions. Algorithms developed to predict the effect of missense changes on protein structure and function are either unavailable or do not agree on the potential impact of this missense change (SIFT: "Deleterious"; PolyPhen-2: "Probably Damaging"; Align-GVGD: "Class C0"). In summary, the available evidence is currently insufficient to determine the role of this variant in disease. Therefore, it has been classified as a Variant of Uncertain Significance.